The following is an entry in ClinVar:

ClinVar aggregate classification (germline): Uncertain significance. Review status: criteria provided, multiple submitters, no conflicts (2 of 4 stars). 4 submissions from 4 submitters: Uncertain significance (4). Last evaluated 2025-05-19.

Conditions:
Inborn genetic diseases. Identifiers: MedGen C0950123, MeSH D030342.

Allele frequency attached by ClinVar (database versions not stated): gnomAD exomes 0.00001 and 0.00005; ExAC 0.00005; TOPMed 0.00007; gnomAD 0.00009; 1000 Genomes Project 30x 0.00031; 1000 Genomes Project 0.00060.
gnomAD v4.1: 27 of 1,612,734 alleles (0.0017%); highest among the groups gnomAD compares: African/African-American, 0.015%; no homozygotes.

Submissions (4):

Ambry Genetics
Classification: Uncertain significance for Inborn genetic diseases. Last evaluated: 2025-05-19. Review status: criteria provided, single submitter. Criteria: Ambry Variant Classification Scheme 2023. Collection method: clinical testing. Allele origin: germline.

Revvity Omics, Revvity
Classification: Uncertain significance. Last evaluated: 2024-10-03. Review status: criteria provided, single submitter. Criteria: ACMG Guidelines, 2015. Collection method: clinical testing. Allele origin: germline.

GeneDx
Classification: Uncertain significance. Last evaluated: 2024-04-22. Review status: criteria provided, single submitter. Criteria: GeneDx Variant Classification Process June 2021. Collection method: clinical testing. Allele origin: germline. Affected: yes.
Comment: In silico analysis indicates that this missense variant does not alter protein structure/function; Has not been previously published as pathogenic or benign to our knowledge

Labcorp Genetics (formerly Invitae), Labcorp
Classification: Uncertain significance. Last evaluated: 2022-10-25. Review status: criteria provided, single submitter. Criteria: Invitae Variant Classification Sherloc (09022015). Collection method: clinical testing. Allele origin: germline.
Comment: This variant is present in population databases (rs143795261, gnomAD 0.03%). This variant has not been reported in the literature in individuals affected with SPTBN2-related conditions. ClinVar contains an entry for this variant (Variation ID: 1400158). Advanced modeling of protein sequence and biophysical properties (such as structural, functional, and spatial information, amino acid conservation, physicochemical variation, residue mobility, and thermodynamic stability) performed at Invitae indicates that this missense variant is not expected to disrupt SPTBN2 protein function. In summary, the available evidence is currently insufficient to determine the role of this variant in disease. Therefore, it has been classified as a Variant of Uncertain Significance. This sequence change replaces alanine, which is neutral and non-polar, with valine, which is neutral and non-polar, at codon 631 of the SPTBN2 protein (p.Ala631Val).

NM_006946.4(SPTBN2):c.1892C>T (p.Ala631Val)

Gene: SPTBN2 (spectrin beta, non-erythrocytic 2; minus strand). Cytogenetic location: 11q13.2.
Variant type: single nucleotide variant.
Coding change: c.1892C>T on transcript NM_006946.4 (MANE Select); coding-DNA position 1892, C replaced by T.
Protein change: p.Ala631Val; replaces alanine 631 with valine.
Molecular consequence: missense variant.
Genome position (GRCh38, 1-based): chr11:66,705,384, G>A on the plus strand (C>T on the coding strand, the complement: SPTBN2 is on the minus strand). VCF-style: chr11-66705384-G-A. GRCh37 (hg19) VCF-style: chr11-66472855-G-A.
Other names: c.1892C>T (NM_006946.2, NM_006946.3); short protein forms A631V.
Identifiers: ClinVar variation 1400158 (VCV001400158.11), dbSNP rs143795261, ClinGen allele CA6129228.